The following is an entry in ClinVar:

NM_004211.5(SLC6A5):c.2362G>T (p.Val788Leu)

Gene: SLC6A5 (solute carrier family 6 member 5; plus strand). Cytogenetic location: 11p15.1.
Variant type: single nucleotide variant.
Coding change: c.2362G>T on transcript NM_004211.5 (MANE Select); coding-DNA position 2362, G replaced by T.
Protein change: p.Val788Leu; replaces valine 788 with leucine.
Molecular consequence: missense variant.
Genome position (GRCh38, 1-based): chr11:20,654,836, G>T. VCF-style: chr11-20654836-G-T. GRCh37 (hg19) VCF-style: chr11-20676382-G-T.
Other names: c.1660G>T, p.Val554Leu (NM_001318369.2); short protein forms V554L, V788L.
Identifiers: ClinVar variation 1702742 (VCV001702742.2), dbSNP rs774095713, ClinGen allele CA379916795.

ClinVar aggregate classification (germline): Uncertain significance (1 of 4 stars; one submission).

Submission:

GeneDx
Classification: Uncertain significance. Last evaluated: 2022-02-20. Review status: criteria provided, single submitter. Criteria: GeneDx Variant Classification Process June 2021. Collection method: clinical testing. Allele origin: germline. Affected: yes.
Comment: Not observed at significant frequency in large population cohorts (gnomAD); In silico analysis supports that this missense variant does not alter protein structure/function; Has not been previously published as pathogenic or benign to our knowledge